The following is an entry in ClinVar:

NM_000520.6(HEXA):c.775A>G (p.Thr259Ala)

Gene: HEXA (hexosaminidase subunit alpha; minus strand). Cytogenetic location: 15q23.
Variant type: single nucleotide variant.
Coding change: c.775A>G on transcript NM_000520.6 (MANE Select); coding-DNA position 775, A replaced by G.
Protein change: p.Thr259Ala; replaces threonine 259 with alanine.
Molecular consequence: missense variant. On other transcripts: non-coding transcript variant (1).
Genome position (GRCh38, 1-based): chr15:72,350,548, T>C on the plus strand (A>G on the coding strand, the complement: HEXA is on the minus strand). VCF-style: chr15-72350548-T-C. GRCh37 (hg19) VCF-style: chr15-72642889-T-C.
Other names: c.808A>G, p.Thr270Ala (NM_001318825.2); short protein forms T259A, T270A.
Identifiers: ClinVar variation 1408134 (VCV001408134.4), dbSNP rs745997044, ClinGen allele CA7644898.

ClinVar aggregate classification (germline): Conflicting classifications of pathogenicity. Review status: criteria provided, conflicting classifications (1 of 4 stars). 2 submissions from 2 submitters: Likely pathogenic (1); Uncertain significance (1). Last evaluated 2026-01-06.

Conditions:
Tay-Sachs disease (TSD). Also called: HEXA DEFICIENCY; GM2 gangliosidosis, type 1; Hexosaminidase alpha-subunit deficiency (variant B); Sphingolipidosis, Tay-Sachs; Hexosaminidase A Deficiency; HEXA Disorders. Identifiers: Orphanet 845, MedGen C0039373, MONDO:0010100, OMIM 272800.

Allele frequency attached by ClinVar (database versions not stated): gnomAD exomes below 0.00001; ExAC 0.00001.
gnomAD v4.1: 6 of 1,613,850 alleles (0.00037%); highest among the groups gnomAD compares: Non-Finnish European, 0.00051%; no homozygotes.

Submissions (2):

3billion
Classification: Likely pathogenic for Tay-Sachs disease. Last evaluated: 2026-01-06. Review status: criteria provided, single submitter. Criteria: ACMG Guidelines, 2015. Collection method: clinical testing. Allele origin: germline. Affected: yes.
Comment: The variant is observed at an extremely low frequency in the gnomAD v4.1.0 dataset (total allele frequency: 0.014%). Predicted Consequence/Location: Missense variant Functional studies provide strong evidence of the variant having a damaging effect on the gene or gene product (PMID: 2522679). In silico tool predictions suggest damaging effect of the variant on gene or gene product [REVEL: 0.93 (>=0.6, sensitivity 0.68 and specificity 0.92); 3Cnet: 0.98 (> 0.75, sensitivity 0.96 and precision 0.92)]. The same nucleotide change resulting in the same amino acid change has been previously reported as pathogenic/likely pathogenic with strong evidence (ClinVar ID: VCV000003898 /PMID: 2522679 /3billion dataset). The variant has been reported to be in trans with a pathogenic variant as either compound heterozygous or homozygous in at least one similarly affected unrelated individual (PMID: 2522679). Different missense changes at the same codon (p.Gly269Arg, p.Gly269Asp) have been reported as pathogenic/likely pathogenic with strong evidence (ClinVar ID: VCV000375357, VCV000842051 /PMID: 9150157). Therefore, this variant is classified as Pathogenic according to the recommendation of ACMG/AMP guideline.

Labcorp Genetics (formerly Invitae), Labcorp
Classification: Uncertain significance for Tay-Sachs disease. Last evaluated: 2022-09-19. Review status: criteria provided, single submitter. Criteria: Invitae Variant Classification Sherloc (09022015). Collection method: clinical testing. Allele origin: germline.
Comment: This sequence change replaces threonine, which is neutral and polar, with alanine, which is neutral and non-polar, at codon 259 of the HEXA protein (p.Thr259Ala). This variant is present in population databases (rs745997044, gnomAD 0.0009%). This variant has not been reported in the literature in individuals affected with HEXA-related conditions. ClinVar contains an entry for this variant (Variation ID: 1408134). Advanced modeling of protein sequence and biophysical properties (such as structural, functional, and spatial information, amino acid conservation, physicochemical variation, residue mobility, and thermodynamic stability) performed at Invitae indicates that this missense variant is expected to disrupt HEXA protein function. In summary, the available evidence is currently insufficient to determine the role of this variant in disease. Therefore, it has been classified as a Variant of Uncertain Significance.

Literature cited by the submitters: PubMed 39609393 (cited by 3billion).